The following is an entry in ClinVar:

ClinVar aggregate classification (germline): Uncertain significance. Review status: criteria provided, multiple submitters, no conflicts (2 of 4 stars). 3 submissions from 3 submitters: Uncertain significance (3). Last evaluated 2025-08-04.

Conditions:
Martsolf syndrome (MARTS). Also called: Congenital cataract with intellectual disability and hypogonadotropic hypogonadism syndrome. Identifiers: Orphanet 1387, MedGen C0796037, MONDO:0023910.
Warburg micro syndrome 2 (WARBM2). Also called: MICRO SYNDROME 2. Identifiers: Orphanet 2510, MedGen C3280214, MONDO:0013641, OMIM 614225.
Inborn genetic diseases. Identifiers: MedGen C0950123, MeSH D030342.

Allele frequency attached by ClinVar (database versions not stated): gnomAD exomes below 0.00001 and 0.00002; ExAC 0.00002; gnomAD 0.00002 and 0.00003; TOPMed 0.00005; 1000 Genomes Project 30x 0.00031; 1000 Genomes Project 0.00040.
gnomAD v4.1: 9 of 1,613,908 alleles (0.00056%); highest among the groups gnomAD compares: Admixed American, 0.0067%; no homozygotes.

Submissions (4):

Ambry Genetics
Classification: Uncertain significance for Inborn genetic diseases. Last evaluated: 2025-08-04. Review status: criteria provided, single submitter. Criteria: Ambry Variant Classification Scheme 2023. Collection method: clinical testing. Allele origin: germline.

Labcorp Genetics (formerly Invitae), Labcorp
Classification: Uncertain significance for Martsolf syndrome; Warburg micro syndrome 2. Last evaluated: 2024-05-07. Review status: criteria provided, single submitter. Criteria: Invitae Variant Classification Sherloc (09022015). Collection method: clinical testing. Allele origin: germline.
Comment: This sequence change replaces serine, which is neutral and polar, with glycine, which is neutral and non-polar, at codon 739 of the RAB3GAP2 protein (p.Ser739Gly). This variant is present in population databases (rs572722938, gnomAD 0.01%). This variant has not been reported in the literature in individuals affected with RAB3GAP2-related conditions. ClinVar contains an entry for this variant (Variation ID: 1033230). An algorithm developed to predict the effect of missense changes on protein structure and function (PolyPhen-2) suggests that this variant is likely to be tolerated. In summary, the available evidence is currently insufficient to determine the role of this variant in disease. Therefore, it has been classified as a Variant of Uncertain Significance.

Baylor Genetics
Classification: Uncertain significance for Martsolf syndrome 1. Last evaluated: 2018-04-26. Review status: criteria provided, single submitter. Criteria: ACMG Guidelines, 2015. Collection method: clinical testing. Allele origin: unknown. Affected: yes.
Comment: This variant was determined to be of uncertain significance according to ACMG Guidelines, 2015 [PMID:25741868].

Dr. Peter K. Rogan Lab, Western University
No classification provided (evidence only). Condition: Lung cancer. Review status: no classification provided. Collection method: in vitro. Allele origin: not applicable. Functional consequence: retained intron. Not counted in ClinVar's aggregate classification.

NM_012414.4(RAB3GAP2):c.2215A>G (p.Ser739Gly)

Gene: RAB3GAP2 (RAB3 GTPase activating non-catalytic protein subunit 2; minus strand). Cytogenetic location: 1q41.
Variant type: single nucleotide variant.
Coding change: c.2215A>G on transcript NM_012414.4 (MANE Select); coding-DNA position 2215, A replaced by G.
Protein change: p.Ser739Gly; replaces serine 739 with glycine.
Molecular consequence: missense variant.
Genome position (GRCh38, 1-based): chr1:220,182,352, T>C on the plus strand (A>G on the coding strand, the complement: RAB3GAP2 is on the minus strand). VCF-style: chr1-220182352-T-C. GRCh37 (hg19) VCF-style: chr1-220355694-T-C.
Other names: short protein forms S739G.
Identifiers: ClinVar variation 1033230 (VCV001033230.8), dbSNP rs572722938, ClinGen allele CA1402482.